The following is an entry in ClinVar:

NM_025114.4(CEP290):c.6297G>T (p.Met2099Ile)

Genes: CEP290 (centrosomal protein 290; minus strand), LOC129390514 (MPRA-validated peak1864 silencer; plus strand). Cytogenetic location: 12q21.32.
Variant type: single nucleotide variant.
Coding change: c.6297G>T on transcript NM_025114.4 (MANE Select); coding-DNA position 6297, G replaced by T.
Protein change: p.Met2099Ile; replaces methionine 2099 with isoleucine.
Molecular consequence: missense variant.
Genome position (GRCh38, 1-based): chr12:88,062,752, C>A on the plus strand (G>T on the coding strand, the complement: CEP290 is on the minus strand). VCF-style: chr12-88062752-C-A. GRCh37 (hg19) VCF-style: chr12-88456529-C-A.
Other names: short protein forms M2099I.
Identifiers: ClinVar variation 1025082 (VCV001025082.9), dbSNP rs753507165, ClinGen allele CA6711530.

ClinVar aggregate classification (germline): Uncertain significance (1 of 4 stars; one submission).

Conditions:
Joubert syndrome. Also called: Familial aplasia of the vermis; CEREBELLOPARENCHYMAL DISORDER IV; JOUBERT-BOLTSHAUSER SYNDROME. Identifiers: Orphanet 475, MedGen C5979921, MONDO:0018772.
Meckel-Gruber syndrome. Also called: Dysencephalia splachnocystica; DYSENCEPHALIA SPLANCHNOCYSTICA; GRUBER SYNDROME. Identifiers: Orphanet 564, MedGen C0265215, MONDO:0018921.
Nephronophthisis. Also called: Juvenile Nephronophthisis. Identifiers: Orphanet 655, MedGen C0687120, MONDO:0019005, HP:0000090.

Allele frequency attached by ClinVar (database versions not stated): ExAC 0.00002.
gnomAD v4.1: 1 of 1,589,948 alleles (0.000063%); highest among the groups gnomAD compares: Non-Finnish European, 0.000086%; no homozygotes.

Submission:

Labcorp Genetics (formerly Invitae), Labcorp
Classification: Uncertain significance for Joubert syndrome; Meckel-Gruber syndrome; Nephronophthisis. Last evaluated: 2024-08-13. Review status: criteria provided, single submitter. Criteria: Invitae Variant Classification Sherloc (09022015). Collection method: clinical testing. Allele origin: germline.
Comment: This sequence change replaces methionine, which is neutral and non-polar, with isoleucine, which is neutral and non-polar, at codon 2099 of the CEP290 protein (p.Met2099Ile). The frequency data for this variant in the population databases is considered unreliable, as metrics indicate poor data quality at this position in the gnomAD database. This variant has not been reported in the literature in individuals affected with CEP290-related conditions. ClinVar contains an entry for this variant (Variation ID: 1025082). Invitae Evidence Modeling of protein sequence and biophysical properties (such as structural, functional, and spatial information, amino acid conservation, physicochemical variation, residue mobility, and thermodynamic stability) indicates that this missense variant is not expected to disrupt CEP290 protein function with a negative predictive value of 80%. In summary, the available evidence is currently insufficient to determine the role of this variant in disease. Therefore, it has been classified as a Variant of Uncertain Significance.